The following is an entry in ClinVar:

ClinVar aggregate classification (germline): Pathogenic (1 of 4 stars; one submission).

Submission:

Labcorp Genetics (formerly Invitae), Labcorp
Classification: Pathogenic. Last evaluated: 2024-10-08. Review status: criteria provided, single submitter. Criteria: Invitae Variant Classification Sherloc (09022015). Collection method: clinical testing. Allele origin: germline.
Comment: This sequence change creates a premature translational stop signal (p.Val2610Leufs*43) in the CDH23 gene. It is expected to result in an absent or disrupted protein product. Loss-of-function variants in CDH23 are known to be pathogenic (PMID: 11138009, 21940737). This variant is not present in population databases (gnomAD no frequency). This variant has not been reported in the literature in individuals affected with CDH23-related conditions. ClinVar contains an entry for this variant (Variation ID: 1439861). For these reasons, this variant has been classified as Pathogenic.

Literature cited by the submitters: PubMed 11138009; PubMed 21940737.

NM_022124.6(CDH23):c.7828_7831del (p.Val2610fs)

Gene: CDH23 (cadherin related 23; plus strand). Cytogenetic location: 10q22.1.
Variant type: Deletion.
Coding change: c.7828_7831del on transcript NM_022124.6 (MANE Select); coding-DNA positions 7828 to 7831, 4 bases deleted (GTCT; older notation c.7828_7831delGTCT).
Protein change: p.Val2610fs; shifts the reading frame from valine 2610.
Molecular consequence: frameshift variant.
Genome position (GRCh38, 1-based): chr10:71,803,376-71,803,379, GTCT deleted; deleting any 4 consecutive bases within chr10:71,803,374-71,803,379 gives the same sequence; the c. name uses the placement nearest the transcript's 3' end. VCF-style (leftmost placement, unchanged base first): chr10-71803373-CCTGT-C. GRCh37 (hg19) VCF-style: chr10-73563130-CCTGT-C.
Other names: c.1108_1111del, p.Val370fs (NM_001171933.1, NM_001171934.1); short protein forms V370fs, V2610fs.
Identifiers: ClinVar variation 1439861 (VCV001439861.6), dbSNP rs2132978731, ClinGen allele CA2573145265.